The following is an entry in ClinVar:

ClinVar aggregate classification (germline): Uncertain significance (1 of 4 stars; one submission).

Conditions:
Hereditary cancer-predisposing syndrome. Also called: Neoplastic Syndromes, Hereditary; Tumor predisposition; Hereditary Cancer Syndrome; Hereditary neoplastic syndrome. Identifiers: Orphanet 140162, MedGen C0027672, MeSH D009386, MONDO:0015356.

Submission:

Color Diagnostics, LLC DBA Color Health
Classification: Uncertain significance for Hereditary cancer-predisposing syndrome. Last evaluated: 2023-10-02. Review status: criteria provided, single submitter. Criteria: ACMG Guidelines, 2015. Collection method: clinical testing. Allele origin: germline.
Comment: This missense variant replaces cysteine with arginine at codon 1164 of the ATM protein. Computational prediction suggests that this variant may not impact protein structure and function (internally defined REVEL score threshold <= 0.5, PMID: 27666373). To our knowledge, functional studies have not been reported for this variant. This variant has not been reported in individuals affected with ATM-related disorders in the literature. This variant has not been identified in the general population by the Genome Aggregation Database (gnomAD). The available evidence is insufficient to determine the role of this variant in disease conclusively. Therefore, this variant is classified as a Variant of Uncertain Significance.

NM_000051.4(ATM):c.3490T>C (p.Cys1164Arg)

Gene: ATM (ATM serine/threonine kinase; plus strand). Cytogenetic location: 11q22.3.
Variant type: single nucleotide variant.
Coding change: c.3490T>C on transcript NM_000051.4 (MANE Select); coding-DNA position 3490, T replaced by C.
Protein change: p.Cys1164Arg; replaces cysteine 1164 with arginine.
Molecular consequence: missense variant.
Genome position (GRCh38, 1-based): chr11:108,281,082, T>C. VCF-style: chr11-108281082-T-C. GRCh37 (hg19) VCF-style: chr11-108151809-T-C.
Other names: c.3490T>C, p.Cys1164Arg (NM_001351834.2); short protein forms C1164R.
Identifiers: ClinVar variation 2774554 (VCV002774554.2), dbSNP rs2135667927, ClinGen allele CA382519629.